The following is an entry in ClinVar:

NM_153717.3(EVC):c.2302A>T (p.Lys768Ter)

Gene: EVC (EvC ciliary complex subunit 1; plus strand). Cytogenetic location: 4p16.2.
Variant type: single nucleotide variant.
Coding change: c.2302A>T on transcript NM_153717.3 (MANE Select); coding-DNA position 2302, A replaced by T.
Protein change: p.Lys768Ter; replaces lysine 768 with a stop codon.
Molecular consequence: nonsense.
Genome position (GRCh38, 1-based): chr4:5,798,790, A>T. VCF-style: chr4-5798790-A-T. GRCh37 (hg19) VCF-style: chr4-5800517-A-T.
Other names: c.2302A>T, p.Lys768Ter (NM_001306090.2); short protein forms K768*.
Identifiers: ClinVar variation 5013625 (VCV005013625.1).

ClinVar aggregate classification (germline): Pathogenic (1 of 4 stars; one submission).

Conditions:
Ellis-van Creveld syndrome (EVC). Also called: MESOECTODERMAL DYSPLASIA; Chondroectodermal dysplasia. Identifiers: Orphanet 289, MedGen C0013903, MONDO:0009162, OMIM 225500.

Submission:

Myriad Genetics, Inc.
Classification: Pathogenic for Ellis-van Creveld syndrome. Last evaluated: 2024-10-07. Review status: criteria provided, single submitter. Criteria: Myriad Autosomal Dominant, Autosomal Recessive and X-Linked Classification Criteria (2023). Collection method: clinical testing. Allele origin: unknown.
Comment: NM_153717.2(EVC):c.2302A>T(K768*) is expected to be pathogenic in the context of EVC-related Ellis-van Creveld syndrome. This variant is predicted to lead to an abnormal or absent protein product due to the creation of a premature termination codon in EVC, a gene where loss-of-function variants are known to be pathogenic. Please note: this variant was assessed in the context of healthy population screening.